The following is an entry in ClinVar:

NM_022168.4(IFIH1):c.2261T>A (p.Leu754Gln)

Gene: IFIH1 (interferon induced with helicase C domain 1; minus strand). Cytogenetic location: 2q24.2.
Variant type: single nucleotide variant.
Coding change: c.2261T>A on transcript NM_022168.4 (MANE Select); coding-DNA position 2261, T replaced by A.
Protein change: p.Leu754Gln; replaces leucine 754 with glutamine.
Molecular consequence: missense variant.
Genome position (GRCh38, 1-based): chr2:162,276,730, A>T on the plus strand (T>A on the coding strand, the complement: IFIH1 is on the minus strand). VCF-style: chr2-162276730-A-T. GRCh37 (hg19) VCF-style: chr2-163133240-A-T.
Other names: short protein forms L754Q.
Identifiers: ClinVar variation 2953675 (VCV002953675.3), dbSNP rs2468957729, ClinGen allele CA348996321.

ClinVar aggregate classification (germline): Uncertain significance (1 of 4 stars; one submission).

Conditions:
Aicardi-Goutieres syndrome 7 (AGS7). Identifiers: Orphanet 51, MedGen C3888244, MONDO:0014367, OMIM 615846.
Singleton-Merten syndrome 1 (SGMRT1). Also called: Widened medullary cavities of bone, aortic calcification, abnormal dentition, and muscular weakness; Syndrome of widened medullary cavities of the metacarpals and phalanges, aortic calcification and abnormal dentition. Identifiers: Orphanet 85191, MedGen C4225427, MONDO:0024535, OMIM 182250.

Submission:

Labcorp Genetics (formerly Invitae), Labcorp
Classification: Uncertain significance for Aicardi-Goutieres syndrome 7; Singleton-Merten syndrome 1. Last evaluated: 2023-11-07. Review status: criteria provided, single submitter. Criteria: Invitae Variant Classification Sherloc (09022015). Collection method: clinical testing. Allele origin: germline.
Comment: This sequence change replaces leucine, which is neutral and non-polar, with glutamine, which is neutral and polar, at codon 754 of the IFIH1 protein (p.Leu754Gln). This variant is not present in population databases (gnomAD no frequency). This variant has not been reported in the literature in individuals affected with IFIH1-related conditions. Advanced modeling of protein sequence and biophysical properties (such as structural, functional, and spatial information, amino acid conservation, physicochemical variation, residue mobility, and thermodynamic stability) has been performed at Invitae for this missense variant, however the output from this modeling did not meet the statistical confidence thresholds required to predict the impact of this variant on IFIH1 protein function. In summary, the available evidence is currently insufficient to determine the role of this variant in disease. Therefore, it has been classified as a Variant of Uncertain Significance.